The following is an entry in ClinVar:

NM_153606.4(GARIN4):c.1663A>T (p.Lys555Ter)

Gene: GARIN4 (golgi associated RAB2 interactor family member 4; plus strand). Cytogenetic location: 1q32.3.
Variant type: single nucleotide variant.
Coding change: c.1663A>T on transcript NM_153606.4 (MANE Select); coding-DNA position 1663, A replaced by T.
Protein change: p.Lys555Ter; replaces lysine 555 with a stop codon.
Molecular consequence: nonsense.
Genome position (GRCh38, 1-based): chr1:212,626,540, A>T. VCF-style: chr1-212626540-A-T. GRCh37 (hg19) VCF-style: chr1-212799882-A-T.
Other names: short protein forms K555*.
Identifiers: ClinVar variation 710838 (VCV000710838.28), dbSNP rs143861665, ClinGen allele CA1384948.
Genomic context (GRCh38, chr1:212,626,540, plus strand): 5'-GCCAACCTTACTACAAAAGTAGTGGGCACACCACATGGCAGAGATGTGAACGTCATGGCT[A>T]AGATGGCGGAGAGGAGCACCAACGTGGCCATCGCCGAGACAGCAGAGGGTGGCCAGGGGC-3'

ClinVar aggregate classification (germline): Likely benign. Review status: criteria provided, multiple submitters, no conflicts (2 of 4 stars). 3 submissions from 3 submitters: Likely benign (3). Last evaluated 2025-11-01.

Allele frequency attached by ClinVar (database versions not stated): 1000 Genomes Project 0.00240; 1000 Genomes Project 30x 0.00265; gnomAD 0.00483 and 0.00495; TOPMed 0.00504; gnomAD exomes 0.00542; ExAC 0.00575; ESP Exome Variant Server 0.00584.
gnomAD v4.1: 10,425 of 1,614,176 alleles (0.65%); highest among the groups gnomAD compares: Non-Finnish European, 0.76%; 49 homozygotes.

Submissions (3):

CeGaT Center for Human Genetics Tuebingen
Classification: Likely benign. Last evaluated: 2025-11-01. Review status: criteria provided, single submitter. Criteria: CeGaT Center For Human Genetics Tuebingen Variant Classification Criteria Version 2. Collection method: clinical testing. Allele origin: germline. Affected: yes. Observed: 2 variant alleles.
Comment: GARIN4: BS2

Labcorp Genetics (formerly Invitae), Labcorp
Classification: Likely benign. Last evaluated: 2018-08-08. Review status: criteria provided, single submitter. Criteria: Invitae Variant Classification Sherloc (09022015). Collection method: clinical testing. Allele origin: germline.

Breakthrough Genomics
Classification: Likely benign. Review status: criteria provided, single submitter. Criteria: ACMG Guidelines, 2015. Collection method: not provided. Allele origin: germline. Inheritance: Unknown mechanism. Affected: yes.